The following is an entry in ClinVar:

NM_153816.6(SNX14):c.264G>T (p.Gln88His)

Gene: SNX14 (sorting nexin 14; minus strand). Cytogenetic location: 6q14.3.
Variant type: single nucleotide variant.
Coding change: c.264G>T on transcript NM_153816.6 (MANE Select); coding-DNA position 264, G replaced by T.
Protein change: p.Gln88His; replaces glutamine 88 with histidine.
Molecular consequence: missense variant. On other transcripts: 5 prime UTR variant (9), splice acceptor variant (6), non-coding transcript variant (4).
Genome position (GRCh38, 1-based): chr6:85,572,372, C>A on the plus strand (G>T on the coding strand, the complement: SNX14 is on the minus strand). VCF-style: chr6-85572372-C-A. GRCh37 (hg19) VCF-style: chr6-86282090-C-A.
Other names: p.Gln88His; c.264G>T, p.Gln88His (NM_001350536.2, NM_001350538.2, NM_001350540.2 and 3 more transcripts); c.108G>T, p.Gln36His (NM_001350542.2, NM_001350544.2, NM_001304479.2); c.-137G>T (NM_001350545.2, NM_001350546.2); c.-702G>T (NM_001350547.2); c.-756G>T (NM_001350548.2); c.-888G>T (NM_001350549.2, NM_001350550.2, NM_001350553.2); c.262-1G>T (NM_001350535.2, NM_001350533.2, NM_001350537.2 and 1 more transcripts); and 4 more; short protein forms Q109H, Q88H, Q36H.
Identifiers: ClinVar variation 713326 (VCV000713326.37), dbSNP rs113111730, ClinGen allele CA3912489.

ClinVar aggregate classification (germline): Benign. Review status: criteria provided, multiple submitters, no conflicts (2 of 4 stars). 4 submissions from 4 submitters: Benign (4). Last evaluated 2026-08-01.

Allele frequency attached by ClinVar (database versions not stated): TOPMed 0.00177; gnomAD 0.00198 and 0.00234; ESP Exome Variant Server 0.00231; gnomAD exomes 0.00330; ExAC 0.00349; 1000 Genomes Project 30x 0.00359; 1000 Genomes Project 0.00419.
gnomAD v4.1: 5,862 of 1,610,208 alleles (0.36%); highest among the groups gnomAD compares: South Asian, 1.3%; 34 homozygotes.

Submissions (11):

CeGaT Center for Human Genetics Tuebingen
Classification: Benign. Last evaluated: 2026-08-01. Review status: criteria provided, single submitter. Criteria: CeGaT Center For Human Genetics Tuebingen Variant Classification Criteria Version 2. Collection method: clinical testing. Allele origin: germline. Affected: yes. Observed: 19 variant alleles.
Comment: SNX14: BS1, BS2

Labcorp Genetics (formerly Invitae), Labcorp
Classification: Benign. Last evaluated: 2026-01-15. Review status: criteria provided, single submitter. Criteria: Invitae Variant Classification Sherloc (09022015). Collection method: clinical testing. Allele origin: germline.

Mayo Clinic Laboratories, Mayo Clinic
Classification: Benign. Last evaluated: 2023-11-07. Review status: criteria provided, single submitter. Criteria: ACMG Guidelines, 2015. Collection method: clinical testing. Allele origin: germline. Observed: 2 variant alleles.
Comment: BA1, BP4

GeneDx
Classification: Benign. Last evaluated: 2019-11-22. Review status: criteria provided, single submitter. Criteria: GeneDx Variant Classification Process June 2021. Collection method: clinical testing. Allele origin: germline. Affected: yes.

Dr. Peter K. Rogan Lab, Western University
No classification provided (evidence only). Condition: Acute myeloid leukemia. Review status: no classification provided. Collection method: in vitro. Allele origin: not applicable. Functional consequence: retained intron. Not counted in ClinVar's aggregate classification.

Dr. Peter K. Rogan Lab, Western University
No classification provided (evidence only). Condition: Thyroid cancer, nonmedullary, 1. Review status: no classification provided. Collection method: in vitro. Allele origin: not applicable. Functional consequence: retained intron. Not counted in ClinVar's aggregate classification.

Dr. Peter K. Rogan Lab, Western University
No classification provided (evidence only). Condition: Thyroid cancer, nonmedullary, 1. Review status: no classification provided. Collection method: in vitro. Allele origin: not applicable. Functional consequence: retained intron. Not counted in ClinVar's aggregate classification.

Dr. Peter K. Rogan Lab, Western University
No classification provided (evidence only). Condition: Gastric cancer. Review status: no classification provided. Collection method: in vitro. Allele origin: not applicable. Functional consequence: retained intron. Not counted in ClinVar's aggregate classification.

Dr. Peter K. Rogan Lab, Western University
No classification provided (evidence only). Condition: Gastric cancer. Review status: no classification provided. Collection method: in vitro. Allele origin: not applicable. Functional consequence: retained intron. Not counted in ClinVar's aggregate classification.

Dr. Peter K. Rogan Lab, Western University
No classification provided (evidence only). Condition: Gastric cancer. Review status: no classification provided. Collection method: in vitro. Allele origin: not applicable. Functional consequence: retained intron. Not counted in ClinVar's aggregate classification.

Dr. Peter K. Rogan Lab, Western University
No classification provided (evidence only). Condition: Malignant tumor of esophagus. Review status: no classification provided. Collection method: in vitro. Allele origin: not applicable. Functional consequence: retained intron. Not counted in ClinVar's aggregate classification.